The following is an entry in ClinVar:

ClinVar aggregate classification (germline): Pathogenic. Review status: criteria provided, multiple submitters, no conflicts (2 of 4 stars). 4 submissions from 4 submitters: Pathogenic (3). 1 of the submissions does not count toward it. Last evaluated 2024-05-22.

Conditions:
Rhizomelic chondrodysplasia punctata type 2 (RCDP2). Also called: DIHYDROXYACETONEPHOSPHATE ACYLTRANSFERASE DEFICIENCY; Chondrodysplasia punctata, rhizomelic, due to dihydroxyacetonephosphate acyltransferase deficiency; Glyceronephosphate O-acyltransferase deficiency; PEROXISOMAL DIHYDROXYACETONEPHOSPHATE ACYLTRANSFERASE DEFICIENCY; DHAPAT DEFICIENCY; glyceronephosphate O-acyltransferase (GNPAT) deficiency. Identifiers: Orphanet 177, Orphanet 309796, MedGen C1857242, MONDO:0100273, OMIM 222765. Disease mechanism: loss of function.

Allele frequency attached by ClinVar (database versions not stated): gnomAD exomes 0.00001; ExAC 0.00002.

Submissions (4):

Fulgent Genetics
Classification: Pathogenic for Rhizomelic chondrodysplasia punctata type 2. Last evaluated: 2024-05-22. Review status: criteria provided, single submitter. Criteria: ACMG Guidelines, 2015. Collection method: clinical testing. Allele origin: germline.

Baylor Genetics
Classification: Pathogenic for Rhizomelic chondrodysplasia punctata type 2. Last evaluated: 2024-03-14. Review status: criteria provided, single submitter. Criteria: ACMG Guidelines, 2015. Collection method: clinical testing. Allele origin: unknown.

Labcorp Genetics (formerly Invitae), Labcorp
Classification: Pathogenic. Last evaluated: 2023-04-08. Review status: criteria provided, single submitter. Criteria: Invitae Variant Classification Sherloc (09022015). Collection method: clinical testing. Allele origin: germline.
Comment: This missense change has been observed in individuals with rhizomelic chondrodysplasia punctata type 2 (PMID: 9536089, 11152660). It has also been observed to segregate with disease in related individuals. This variant is present in population databases (rs121434439, gnomAD 0.006%). This sequence change replaces arginine, which is basic and polar, with histidine, which is basic and polar, at codon 211 of the GNPAT protein (p.Arg211His). ClinVar contains an entry for this variant (Variation ID: 6841). For these reasons, this variant has been classified as Pathogenic. Experimental studies have shown that this missense change affects GNPAT function (PMID: 11152660). Advanced modeling of protein sequence and biophysical properties (such as structural, functional, and spatial information, amino acid conservation, physicochemical variation, residue mobility, and thermodynamic stability) performed at Invitae indicates that this missense variant is expected to disrupt GNPAT protein function.

OMIM
Classification: Pathogenic for RHIZOMELIC CHONDRODYSPLASIA PUNCTATA, TYPE 2. Last evaluated: 2001-01-15. Review status: no assertion criteria provided. Collection method: literature only. Allele origin: germline. Not counted in ClinVar's aggregate classification.

Literature cited by the submitters: PubMed 9536089 (cited by Labcorp Genetics (formerly Invitae), Labcorp and OMIM); PubMed 11152660 (cited by Labcorp Genetics (formerly Invitae), Labcorp and OMIM); PubMed 7530787 (cited by OMIM).

NM_014236.4(GNPAT):c.632G>A (p.Arg211His)

Gene: GNPAT (glyceronephosphate O-acyltransferase; plus strand). Cytogenetic location: 1q42.2.
Variant type: single nucleotide variant.
Coding change: c.632G>A on transcript NM_014236.4 (MANE Select); coding-DNA position 632, G replaced by A.
Protein change: p.Arg211His; replaces arginine 211 with histidine.
Molecular consequence: missense variant.
Genome position (GRCh38, 1-based): chr1:231,265,356, G>A. VCF-style: chr1-231265356-G-A. GRCh37 (hg19) VCF-style: chr1-231401102-G-A.
Other names: c.449G>A, p.Arg150His (NM_001316350.2); short protein forms R211H, R150H.
Identifiers: ClinVar variation 6841 (VCV000006841.9), dbSNP rs121434439, ClinGen allele CA118534.
Genomic context (GRCh38, chr1:231,265,356, plus strand): 5'-TCCTGGGAATGAAAATGGTTGGTGAGCTGCTACGAATGTCGGGTGCCTTTTTCATGCGGC[G>A]TACCTTTGGTGGCAATAAACTCTACTGGGCTGTATTCTCTGAATATGTAAAAACTATGTT-3'
Protein context (NP_055051.1, residues 201-221): LRMSGAFFMR[Arg211His]TFGGNKLYWA